The following is an entry in ClinVar:

ClinVar aggregate classification (germline): Conflicting classifications of pathogenicity. Review status: criteria provided, conflicting classifications (1 of 4 stars). 4 submissions from 4 submitters: Uncertain significance (3); Likely benign (1). Last evaluated 2025-10-26.

Conditions:
Malignant hyperthermia, susceptibility to, 5 (MHS5). Also called: CACNA1S-Related Malignant Hyperthermia Susceptibility. Identifiers: Orphanet 423, MedGen C1866077, MONDO:0011163, OMIM 601887.
Congenital myopathy 18. Also called: Myopathy, congenital, due to dihydropyridine receptor defect; DIHYDROPYRIDINE RECEPTOR CONGENITAL MYOPATHY; DHPR CONGENITAL MYOPATHY. Identifiers: MedGen C5830283, MONDO:0859514, OMIM 620246.
Thyrotoxic periodic paralysis, susceptibility to, 1 (TTPP1). Identifiers: Orphanet 79102, MedGen C2749982, MONDO:0008570, OMIM 188580.
Hypokalemic periodic paralysis, type 1. Also called: Hypokalemic Periodic Paralysis Type 1 (AD); HypoPP. Identifiers: Orphanet 681, MedGen C3714580, MONDO:0042979, OMIM 170400.

Allele frequency attached by ClinVar (database versions not stated): ExAC 0.00002; gnomAD exomes 0.00002; gnomAD 0.00005; TOPMed 0.00005; ESP Exome Variant Server 0.00008.
gnomAD v4.1: 45 of 1,614,060 alleles (0.0028%); highest among the groups gnomAD compares: Middle Eastern, 0.033%; 1 homozygote.

Submissions (4):

Labcorp Genetics (formerly Invitae), Labcorp
Classification: Likely benign for Hypokalemic periodic paralysis, type 1; Malignant hyperthermia, susceptibility to, 5. Last evaluated: 2025-10-26. Review status: criteria provided, single submitter. Criteria: Invitae Variant Classification Sherloc (09022015). Collection method: clinical testing. Allele origin: germline.

GeneDx
Classification: Uncertain significance. Last evaluated: 2025-02-03. Review status: criteria provided, single submitter. Criteria: GeneDx Variant Classification Process June 2021. Collection method: clinical testing. Allele origin: germline. Affected: yes.
Comment: In silico analysis supports that this missense variant has a deleterious effect on protein structure/function; Has not been previously published as pathogenic or benign to our knowledge

Color Diagnostics, LLC DBA Color Health
Classification: Uncertain significance for Malignant hyperthermia, susceptibility to, 5. Last evaluated: 2024-07-30. Review status: criteria provided, single submitter. Criteria: ACMG Guidelines, 2015. Collection method: clinical testing. Allele origin: germline.
Comment: This missense variant replaces aspartic acid with asparagine at codon 994 of the CACNA1S protein. Computational prediction suggests that this variant may not impact protein structure and function. To our knowledge, functional studies have not been reported for this variant. This variant has not been reported in individuals affected with CACNA1S-related disorders in the literature. This variant has been identified in 6/251300 chromosomes in the general population by the Genome Aggregation Database (gnomAD). The available evidence is insufficient to determine the role of this variant in disease conclusively. Therefore, this variant is classified as a Variant of Uncertain Significance.

Fulgent Genetics
Classification: Uncertain significance for Hypokalemic periodic paralysis, type 1; Thyrotoxic periodic paralysis, susceptibility to, 1; Malignant hyperthermia, susceptibility to, 5; Congenital myopathy 18. Last evaluated: 2024-03-07. Review status: criteria provided, single submitter. Criteria: ACMG Guidelines, 2015. Collection method: clinical testing. Allele origin: germline.

NM_000069.3(CACNA1S):c.2980G>A (p.Asp994Asn)

Gene: CACNA1S (calcium voltage-gated channel subunit alpha1 S; minus strand). Cytogenetic location: 1q32.1.
Variant type: single nucleotide variant.
Coding change: c.2980G>A on transcript NM_000069.3 (MANE Select); coding-DNA position 2980, G replaced by A.
Protein change: p.Asp994Asn; replaces aspartic acid 994 with asparagine.
Molecular consequence: missense variant.
Genome position (GRCh38, 1-based): chr1:201,062,017, C>T on the plus strand (G>A on the coding strand, the complement: CACNA1S is on the minus strand). VCF-style: chr1-201062017-C-T. GRCh37 (hg19) VCF-style: chr1-201031145-C-T.
Other names: c.2980G>A (NM_000069.2); short protein forms D994N.
Identifiers: ClinVar variation 2197538 (VCV002197538.7), dbSNP rs369941827, ClinGen allele CA079469.